The following is an entry in ClinVar:

ClinVar aggregate classification (germline): Uncertain significance (1 of 4 stars; one submission).

Conditions:
KMT2A-related disorder. Also called: KMT2A-related condition.

Submission:

PreventionGenetics, part of Exact Sciences
Classification: Uncertain significance for KMT2A-related condition. Last evaluated: 2025-07-11. Review status: criteria provided, single submitter. Criteria: ACMG Guidelines, 2015. Collection method: clinical testing. Allele origin: germline.
Comment: The KMT2A c.1635A>C variant is predicted to result in the amino acid substitution p.Lys545Asn. To our knowledge, this variant has not been reported in the literature or in a large population database, indicating this variant is rare. Statistical evidence in gnomAD suggests the KMT2A gene is intolerant of missense variation. At this time, the clinical significance of this variant is uncertain due to the absence of conclusive functional and genetic evidence.

NM_001197104.2(KMT2A):c.1635A>C (p.Lys545Asn)

Gene: KMT2A (lysine methyltransferase 2A; plus strand). Cytogenetic location: 11q23.3.
Variant type: single nucleotide variant.
Coding change: c.1635A>C on transcript NM_001197104.2 (MANE Select); coding-DNA position 1635, A replaced by C.
Protein change: p.Lys545Asn; replaces lysine 545 with asparagine.
Molecular consequence: missense variant.
Genome position (GRCh38, 1-based): chr11:118,472,794, A>C. VCF-style: chr11-118472794-A-C. GRCh37 (hg19) VCF-style: chr11-118343509-A-C.
Other names: c.1734A>C, p.Lys578Asn (NM_001412597.1); c.1635A>C, p.Lys545Asn (NM_005933.4); short protein forms K545N, K578N.
Identifiers: ClinVar variation 3060348 (VCV003060348.3), dbSNP rs2496801907, ClinGen allele CA382810538.
Genomic context (GRCh38, chr11:118,472,794, plus strand): 5'-TAGGAGAAGCAGAAGGTATTCAGTGTCGGAGAGAAGTTTTGGATCTAGAACGACGAAAAA[A>C]TTATCAACTCTACAAAGTGCCCCCCAGCAGCAGACCTCCTCGTCTCCACCTCCACCTCTG-3'
Protein context (NP_001184033.1, residues 535-555): ERSFGSRTTK[Lys545Asn]LSTLQSAPQQ